The following is an entry in ClinVar:

NM_032888.4(COL27A1):c.4559G>A (p.Gly1520Glu)

Gene: COL27A1 (collagen type XXVII alpha 1 chain; plus strand). Cytogenetic location: 9q32.
Variant type: single nucleotide variant.
Coding change: c.4559G>A on transcript NM_032888.4 (MANE Select); coding-DNA position 4559, G replaced by A.
Protein change: p.Gly1520Glu; replaces glycine 1520 with glutamic acid.
Molecular consequence: missense variant.
Genome position (GRCh38, 1-based): chr9:114,292,185, G>A. VCF-style: chr9-114292185-G-A. GRCh37 (hg19) VCF-style: chr9-117054465-G-A.
Other names: c.4559G>A (NM_032888.2); short protein forms G1520E.
Identifiers: ClinVar variation 1448368 (VCV001448368.7), dbSNP rs1240342306, ClinGen allele CA374590439.

ClinVar aggregate classification (germline): Uncertain significance. Review status: criteria provided, multiple submitters, no conflicts (2 of 4 stars). 3 submissions from 3 submitters: Uncertain significance (3). Last evaluated 2025-03-14.

Conditions:
Inborn genetic diseases. Identifiers: MedGen C0950123, MeSH D030342.

Allele frequency attached by ClinVar (database versions not stated): gnomAD 0.00001; TOPMed 0.00001.

Submissions (3):

Women's Health and Genetics/Laboratory Corporation of America, LabCorp
Classification: Uncertain significance. Last evaluated: 2025-03-14. Review status: criteria provided, single submitter. Criteria: LabCorp Variant Classification Summary - May 2015. Collection method: clinical testing. Allele origin: germline.

Ambry Genetics
Classification: Uncertain significance for Inborn genetic diseases. Last evaluated: 2023-12-09. Review status: criteria provided, single submitter. Criteria: Ambry Variant Classification Scheme 2023. Collection method: clinical testing. Allele origin: germline.

Labcorp Genetics (formerly Invitae), Labcorp
Classification: Uncertain significance. Last evaluated: 2022-10-03. Review status: criteria provided, single submitter. Criteria: Invitae Variant Classification Sherloc (09022015). Collection method: clinical testing. Allele origin: germline.
Comment: This sequence change replaces glycine, which is neutral and non-polar, with glutamic acid, which is acidic and polar, at codon 1520 of the COL27A1 protein (p.Gly1520Glu). This variant is not present in population databases (gnomAD no frequency). This variant has not been reported in the literature in individuals affected with COL27A1-related conditions. ClinVar contains an entry for this variant (Variation ID: 1448368). Advanced modeling of protein sequence and biophysical properties (such as structural, functional, and spatial information, amino acid conservation, physicochemical variation, residue mobility, and thermodynamic stability) has been performed at Invitae for this missense variant, however the output from this modeling did not meet the statistical confidence thresholds required to predict the impact of this variant on COL27A1 protein function. In summary, the available evidence is currently insufficient to determine the role of this variant in disease. Therefore, it has been classified as a Variant of Uncertain Significance.